The following is an entry in ClinVar:

NM_001281740.3(FHOD3):c.2022-4T>A

Gene: FHOD3 (formin homology 2 domain containing 3; plus strand). Cytogenetic location: 18q12.2.
Variant type: single nucleotide variant.
Coding change: c.2022-4T>A on transcript NM_001281740.3 (MANE Select); 4 bases into the intron before coding-DNA position 2022, T replaced by A.
Molecular consequence: intron variant.
Genome position (GRCh38, 1-based): chr18:36,693,205, T>A. VCF-style: chr18-36693205-T-A. GRCh37 (hg19) VCF-style: chr18-34273168-T-A.
Other names: c.1497-4T>A (NM_025135.5); c.1446-4T>A (NM_001281739.3).
Identifiers: ClinVar variation 3067422 (VCV003067422.21), dbSNP rs758000028, ClinGen allele CA8941762.

ClinVar aggregate classification (germline): Likely benign (1 of 4 stars; one submission).

Allele frequency attached by ClinVar (database versions not stated): gnomAD exomes below 0.00001; ExAC 0.00002.
gnomAD v4.1: 3 of 1,611,670 alleles (0.00019%); highest among the groups gnomAD compares: Middle Eastern, 0.034%; no homozygotes.

Submission:

CeGaT Center for Human Genetics Tuebingen
Classification: Likely benign. Last evaluated: 2024-03-01. Review status: criteria provided, single submitter. Criteria: CeGaT Center For Human Genetics Tuebingen Variant Classification Criteria Version 2. Collection method: clinical testing. Allele origin: germline. Affected: yes. Observed: 1 variant allele.
Comment: FHOD3: BP4